The following is an entry in ClinVar:

ClinVar aggregate classification (germline): Pathogenic. Review status: criteria provided, multiple submitters, no conflicts (2 of 4 stars). 2 submissions from 2 submitters: Pathogenic (2). Last evaluated 2025-10-20.

Conditions:
JAG1-related disorder. Also called: JAG1-related condition; JAG1-related disorders.

Submissions (2):

PreventionGenetics, part of Exact Sciences
Classification: Pathogenic for JAG1-related condition. Last evaluated: 2025-10-20. Review status: criteria provided, single submitter. Criteria: ACMG Guidelines, 2015. Collection method: clinical testing. Allele origin: germline.
Comment: The JAG1 c.2039dupG variant is predicted to result in a frameshift and premature protein termination (p.Thr681Hisfs*8). This variant has been reported in the de novo state in an individual with Alagille syndrome (Reported as c.2452-2453insG, Crosnier et al. 1999. PubMed ID: 10220506). This variant has not been reported in a large population database (gnomAD), indicating this variant is rare. Frameshift variants in JAG1 are expected to be pathogenic. This variant is interpreted as pathogenic.

GeneDx
Classification: Pathogenic. Last evaluated: 2017-11-10. Review status: criteria provided, single submitter. Criteria: GeneDx Variant Classification (06012015). Collection method: clinical testing. Allele origin: germline. Affected: yes.
Comment: The c.2039dupG variant has been reported previously as an apparently de novo variant in association with Alagille syndrome; the variant was reported as c.2452-2453insG using alternative nomenclature (Crosnier et al., 1999). The duplication causes a frameshift starting with codon Threonine 681, changes this amino acid to a Histidine residue and creates a premature Stop codon at position 8 of the new reading frame, denoted p.Thr681HisfsX8. This variant is predicted to cause loss of normal protein function either through protein truncation or nonsense-mediated mRNA decay. The variant is not observed in large population cohorts (Lek et al., 2016). In summary, we consider this variant to be pathogenic.

NM_000214.3(JAG1):c.2039dup (p.Thr681fs)

Gene: JAG1 (jagged canonical Notch ligand 1; minus strand). Cytogenetic location: 20p12.2.
Variant type: Duplication.
Coding change: c.2039dup on transcript NM_000214.3 (MANE Select); coding-DNA position 2039, one base duplicated (G; older notation c.2039dupG).
Protein change: p.Thr681fs; shifts the reading frame from threonine 681.
Molecular consequence: frameshift variant.
Genome position (GRCh38, 1-based): chr20:10,645,430, C duplicated on the plus strand (G on the coding strand, the reverse complement: JAG1 is on the minus strand); the first of 5 consecutive C bases (chr20:10,645,430-10,645,434); duplicating any one gives the same sequence. VCF-style (leftmost placement, unchanged base first): chr20-10645429-G-GC. GRCh37 (hg19) VCF-style: chr20-10626077-G-GC.
Other names: c.2039dupG (NM_000214.2); c.2039dup, p.Thr681fs (LRG_1191t1); short protein forms T681fs.
Identifiers: ClinVar variation 503622 (VCV000503622.2), dbSNP rs1555828250, ClinGen allele CA658799331.